The following is an entry in ClinVar:

NM_002528.7(NTHL1):c.271A>G (p.Ile91Val)

Gene: NTHL1 (nth like DNA glycosylase 1; minus strand). Cytogenetic location: 16p13.3.
Variant type: single nucleotide variant.
Coding change: c.271A>G on transcript NM_002528.7 (MANE Select); coding-DNA position 271, A replaced by G.
Protein change: p.Ile91Val; replaces isoleucine 91 with valine.
Molecular consequence: missense variant. On other transcripts: intron variant (1).
Genome position (GRCh38, 1-based): chr16:2,046,211, T>C on the plus strand (A>G on the coding strand, the complement: NTHL1 is on the minus strand). VCF-style: chr16-2046211-T-C. GRCh37 (hg19) VCF-style: chr16-2096212-T-C.
Other names: c.295A>G (NM_002528.5); c.271A>G, p.Ile91Val (NM_001318193.2); c.24+69A>G (NM_001318194.2); short protein forms I91V.
Identifiers: ClinVar variation 1517306 (VCV001517306.11), dbSNP rs2150945858, ClinGen allele CA394296854.

ClinVar aggregate classification (germline): Uncertain significance. Review status: criteria provided, multiple submitters, no conflicts (2 of 4 stars). 3 submissions from 3 submitters: Uncertain significance (3). Last evaluated 2025-10-02.

Conditions:
Hereditary cancer-predisposing syndrome. Also called: Neoplastic Syndromes, Hereditary; Hereditary Cancer Syndrome; Hereditary neoplastic syndrome; Tumor predisposition. Identifiers: Orphanet 140162, MedGen C0027672, MeSH D009386, MONDO:0015356.
Familial adenomatous polyposis 3. Also called: NTHL1 Tumor Syndrome; NTHL1-related attenuated familial adenomatous polyposis; NTHL1-associated polyposis; NTHL1-Related Adenomatous Polyposis and Colorectal Cancer. Identifiers: Orphanet 220460, Orphanet 454840, MedGen C4225157, MONDO:0014630, OMIM 616415.

gnomAD v4.1: 1 of 1,613,210 alleles (0.000062%); highest among the groups gnomAD compares: Non-Finnish European, 0.000085%; no homozygotes.

Submissions (3):

Ambry Genetics
Classification: Uncertain significance for Hereditary cancer-predisposing syndrome. Last evaluated: 2025-10-02. Review status: criteria provided, single submitter. Criteria: Ambry Variant Classification Scheme 2023. Collection method: clinical testing. Allele origin: germline.
Comment: The p.I99V variant (also known as c.295A>G), located in coding exon 2 of the NTHL1 gene, results from an A to G substitution at nucleotide position 295. The isoleucine at codon 99 is replaced by valine, an amino acid with highly similar properties. This amino acid position is conserved. In addition, the in silico prediction for this alteration is inconclusive. Since supporting evidence is limited at this time, the clinical significance of this alteration remains unclear.

Labcorp Genetics (formerly Invitae), Labcorp
Classification: Uncertain significance. Last evaluated: 2024-02-17. Review status: criteria provided, single submitter. Criteria: Invitae Variant Classification Sherloc (09022015). Collection method: clinical testing. Allele origin: germline.
Comment: This sequence change replaces isoleucine, which is neutral and non-polar, with valine, which is neutral and non-polar, at codon 99 of the NTHL1 protein (p.Ile99Val). This variant is not present in population databases (gnomAD no frequency). This variant has not been reported in the literature in individuals affected with NTHL1-related conditions. ClinVar contains an entry for this variant (Variation ID: 1517306). An algorithm developed to predict the effect of missense changes on protein structure and function (PolyPhen-2) suggests that this variant is likely to be disruptive. In summary, the available evidence is currently insufficient to determine the role of this variant in disease. Therefore, it has been classified as a Variant of Uncertain Significance.

Baylor Genetics
Classification: Uncertain significance for Familial adenomatous polyposis 3. Last evaluated: 2023-12-18. Review status: criteria provided, single submitter. Criteria: ACMG Guidelines, 2015. Collection method: clinical testing. Allele origin: unknown.